The following is an entry in ClinVar:

ClinVar aggregate classification (germline): Benign (1 of 4 stars; one submission).

Conditions:
MELAS syndrome (MELAS). Also called: Juvenile myopathy, encephalopathy, lactic acidosis, stroke. Identifiers: Orphanet 550, MedGen C0162671, MONDO:0010789, OMIM 540000.

Submission:

Wong Mito Lab, Molecular and Human Genetics, Baylor College of Medicine
Classification: Benign for MELAS syndrome. Last evaluated: 2019-07-12. Review status: criteria provided, single submitter. Criteria: Modified ACMG Guidelines (Unpublished). Collection method: clinical testing. Allele origin: germline.
Comment: The NC_012920.1:m.3254C>A variant in MT-TL1 gene is interpreted to be a Benign variant based on the modified ACMG guidelines (unpublished). This variant meets the following evidence codes reported in the guidelines: BS1, BS4, BP5, PP3

Literature cited by the submitters: PubMed 31965079; PubMed 10704697.

NC_012920.1(MT-TL1):m.3254C>A

Gene: MT-TL1 (mitochondrially encoded tRNA leucine 1 (UUA/G); plus strand).
Variant type: single nucleotide variant.
Genome position: chrM-3254-C-A.
Identifiers: ClinVar variation 689860 (VCV000689860.1), dbSNP rs1603218855, ClinGen allele CA913169003.
Genomic context (GRCh38, chrMT:3,254, plus strand): 5'-TAGTATTATACCCACACCCACCCAAGAACAGGGTTTGTTAAGATGGCAGAGCCCGGTAAT[C>A]GCATAAAACTTAAAACTTTACAGTCAGAGGTTCAATTCCTCTTCTTAACAACATACCCAT-3'